The following is an entry in ClinVar:

NM_004793.4(LONP1):c.1061A>G (p.Asn354Ser)

Gene: LONP1 (lon peptidase 1, mitochondrial; minus strand). Cytogenetic location: 19p13.3.
Variant type: single nucleotide variant.
Coding change: c.1061A>G on transcript NM_004793.4 (MANE Select); coding-DNA position 1061, A replaced by G.
Protein change: p.Asn354Ser; replaces asparagine 354 with serine.
Molecular consequence: missense variant. On other transcripts: non-coding transcript variant (1).
Genome position (GRCh38, 1-based): chr19:5,707,698, T>C on the plus strand (A>G on the coding strand, the complement: LONP1 is on the minus strand). VCF-style: chr19-5707698-T-C. GRCh37 (hg19) VCF-style: chr19-5707709-T-C.
Other names: c.1061A>G (NM_004793.2); c.869A>G, p.Asn290Ser (NM_001276479.2); c.473A>G, p.Asn158Ser (NM_001276480.1); short protein forms N158S, N290S, N354S.
Identifiers: ClinVar variation 1218475 (VCV001218475.12), dbSNP rs560638601, ClinGen allele CA9114865.

ClinVar aggregate classification (germline): Uncertain significance. Review status: criteria provided, multiple submitters, no conflicts (2 of 4 stars). 3 submissions from 3 submitters: Uncertain significance (3). Last evaluated 2024-02-24.

Conditions:
Inborn genetic diseases. Identifiers: MedGen C0950123, MeSH D030342.

Allele frequency attached by ClinVar (database versions not stated): gnomAD 0.00002 and 0.00011; TOPMed 0.00008; ExAC 0.00014; gnomAD exomes 0.00017; 1000 Genomes Project 0.00020; 1000 Genomes Project 30x 0.00031.
gnomAD v4.1: 205 of 1,609,282 alleles (0.013%); highest among the groups gnomAD compares: South Asian, 0.12%; no homozygotes.

Submissions (3):

Labcorp Genetics (formerly Invitae), Labcorp
Classification: Uncertain significance. Last evaluated: 2024-02-24. Review status: criteria provided, single submitter. Criteria: Invitae Variant Classification Sherloc (09022015). Collection method: clinical testing. Allele origin: germline.
Comment: This sequence change replaces asparagine, which is neutral and polar, with serine, which is neutral and polar, at codon 354 of the LONP1 protein (p.Asn354Ser). This variant is present in population databases (rs560638601, gnomAD 0.1%). This variant has not been reported in the literature in individuals affected with LONP1-related conditions. ClinVar contains an entry for this variant (Variation ID: 1218475). Algorithms developed to predict the effect of missense changes on protein structure and function output the following: SIFT: "Not Available"; PolyPhen-2: "Benign"; Align-GVGD: "Not Available". The serine amino acid residue is found in multiple mammalian species, which suggests that this missense change does not adversely affect protein function. In summary, the available evidence is currently insufficient to determine the role of this variant in disease. Therefore, it has been classified as a Variant of Uncertain Significance.

Ambry Genetics
Classification: Uncertain significance for Inborn genetic diseases. Last evaluated: 2023-10-27. Review status: criteria provided, single submitter. Criteria: Ambry Variant Classification Scheme 2023. Collection method: clinical testing. Allele origin: germline.

GeneDx
Classification: Uncertain significance. Last evaluated: 2019-11-21. Review status: criteria provided, single submitter. Criteria: GeneDx Variant Classification Process June 2021. Collection method: clinical testing. Allele origin: germline. Affected: yes.
Comment: In silico analysis, which includes protein predictors and evolutionary conservation, supports a deleterious effect; In addition, in-silico analysis, which includes splice predictors and evolutionary conservation, is inconclusive as to whether the variant alters gene splicing. In the absence of RNA/functional studies, the actual effect of this sequence change is unknown.; Has not been previously published as pathogenic or benign to our knowledge